The following is an entry in ClinVar:

NM_014946.4(SPAST):c.1701dup (p.Gln568fs)

Gene: SPAST (spastin; plus strand). Cytogenetic location: 2p22.3.
Variant type: Duplication.
Coding change: c.1701dup on transcript NM_014946.4 (MANE Select); coding-DNA position 1701, one base duplicated (A; older notation c.1701dupA).
Protein change: p.Gln568fs; shifts the reading frame from glutamine 568.
Molecular consequence: frameshift variant.
Genome position (GRCh38, 1-based): chr2:32,147,231, A duplicated; the last of 2 consecutive A bases (chr2:32,147,230-32,147,231); duplicating either gives the same sequence. VCF-style (leftmost placement, unchanged base first): chr2-32147229-G-GA. GRCh37 (hg19) VCF-style: chr2-32372298-G-GA.
Other names: c.1698dup, p.Gln567fs (NM_001363823.2); c.1602dup, p.Gln535fs (NM_001363875.2); c.1534dup, p.Thr512fs (NM_001377959.1); c.1605dup, p.Gln536fs (NM_199436.2); short protein forms T512fs, Q535fs, Q536fs, Q567fs, Q568fs.
Identifiers: ClinVar variation 1452121 (VCV001452121.8), dbSNP rs2148762787, ClinGen allele CA2573134503.

ClinVar aggregate classification (germline): Pathogenic (1 of 4 stars; one submission).

Conditions:
Hereditary spastic paraplegia 4. Also called: Spastic paraplegia 4, autosomal dominant; Familial spastic paraplegia autosomal dominant 2; Spastic Paraplegia 4. Identifiers: Orphanet 100985, MedGen C1866855, MONDO:0008438, OMIM 182601.

Submission:

Labcorp Genetics (formerly Invitae), Labcorp
Classification: Pathogenic for Hereditary spastic paraplegia 4. Last evaluated: 2021-02-04. Review status: criteria provided, single submitter. Criteria: Invitae Variant Classification Sherloc (09022015). Collection method: clinical testing. Allele origin: germline.
Comment: For these reasons, this variant has been classified as Pathogenic. This variant disrupts the C-terminus of the SPAST protein. Other variant(s) that disrupt this region (p.Trp607*) have been determined to be pathogenic (PMID: 15841487, Invitae). This suggests that variants that disrupt this region of the protein are likely to be causative of disease. This variant has not been reported in the literature in individuals with SPAST-related conditions. This variant is not present in population databases (ExAC no frequency). This sequence change creates a premature translational stop signal (p.Gln568Thrfs*9) in the SPAST gene. While this is not anticipated to result in nonsense mediated decay, it is expected to disrupt the last 49 amino acid(s) of the SPAST protein.

Literature cited by the submitters: PubMed 15841487.